The following is an entry in ClinVar:

NM_015662.3(IFT172):c.1830-98G>T

Gene: IFT172 (intraflagellar transport 172; minus strand). Cytogenetic location: 2p23.3.
Variant type: single nucleotide variant.
Coding change: c.1830-98G>T on transcript NM_015662.3 (MANE Select); 98 bases into the intron before coding-DNA position 1830, G replaced by T.
Molecular consequence: intron variant.
Genome position (GRCh38, 1-based): chr2:27,465,616, C>A on the plus strand (G>T on the coding strand, the complement: IFT172 is on the minus strand). VCF-style: chr2-27465616-C-A. GRCh37 (hg19) VCF-style: chr2-27688483-C-A.
Identifiers: ClinVar variation 675963 (VCV000675963.2), dbSNP rs139218763, ClinGen allele CA44501778.

ClinVar aggregate classification (germline): Benign. Review status: criteria provided, multiple submitters, no conflicts (2 of 4 stars). 2 submissions from 2 submitters: Benign (2). Last evaluated 2018-06-16.

Allele frequency attached by ClinVar (database versions not stated): 1000 Genomes Project 0.01298; 1000 Genomes Project 30x 0.01327; TOPMed 0.02640; gnomAD 0.03023 and 0.03132; gnomAD exomes 0.03791.
gnomAD v4.1: 56,782 of 1,535,044 alleles (3.7%); highest among the groups gnomAD compares: Admixed American, 4.5%; 1,215 homozygotes.

Submissions (2):

GeneDx
Classification: Benign. Last evaluated: 2018-06-16. Review status: criteria provided, single submitter. Criteria: GeneDx Variant Classification (06012015). Collection method: clinical testing. Allele origin: germline. Affected: yes.
Comment: This variant is considered likely benign or benign based on one or more of the following criteria: it is a conservative change, it occurs at a poorly conserved position in the protein, it is predicted to be benign by multiple in silico algorithms, and/or has population frequency not consistent with disease.

Breakthrough Genomics
Classification: Benign. Review status: criteria provided, single submitter. Criteria: ACMG Guidelines, 2015. Collection method: not provided. Allele origin: germline. Inheritance: Autosomal recessive inheritance. Affected: yes.